The following is an entry in ClinVar:

GRCh38/hg38 16p12.2(chr16:21948629-22396630)x1

Genes: CDR2 (cerebellar degeneration related protein 2), CDR2-DT (CDR2 divergent transcript), EEF2K (eukaryotic elongation factor 2 kinase), MOSMO (modulator of smoothened), PDZD9 (PDZ domain containing 9) and 32 more. Cytogenetic location: 16p12.2.
Variant type: copy number loss.
Change: copy number 1 (one copy instead of two) of chr16:21,948,629-22,396,630 (448.0 kb, GRCh38 coordinates, 1-based), cytogenetic band 16p12.2.
Identifiers: ClinVar variation 144535 (VCV000144535.3).

ClinVar aggregate classification (germline): conflicting data from submitters (0 of 4 stars; one submission).

Submission:

ISCA site 4
Classification: conflicting data from submitters. Last evaluated: 2010-10-30. Review status: no assertion criteria provided. Collection method: clinical testing. Allele origin: unknown. Affected: yes. Observed: 5 variant alleles. Clinical features observed: Developmental delay AND/OR other significant developmental or morphological phenotypes, Global developmental delay (HP:0001263).
Comment: Pathogenic(1), Uncertain significance(4)

Copy number variation identified through the course of routine clinical cytogenomic testing in postnatal populations, with clinical assertions as classified by the original submitter. For data from the original published study, Kaminsky, et al. 2011 (PubMed 21844811), please see nstd101.